The following is an entry in ClinVar:

NM_001367624.2(ZNF469):c.9759A>G (p.Gly3253=)

Gene: ZNF469 (zinc finger protein 469; plus strand). Cytogenetic location: 16q24.2.
Variant type: single nucleotide variant.
Coding change: c.9759A>G on transcript NM_001367624.2 (MANE Select); coding-DNA position 9759, A replaced by G.
Protein change: p.Gly3253=; no amino-acid change (glycine 3253 retained).
Molecular consequence: synonymous variant.
Genome position (GRCh38, 1-based): chr16:88,437,229, A>G. VCF-style: chr16-88437229-A-G. GRCh37 (hg19) VCF-style: chr16-88503637-A-G.
Identifiers: ClinVar variation 2646972 (VCV002646972.24), dbSNP rs2507604247, ClinGen allele CA497358897.
Genomic context (GRCh38, chr16:88,437,229, plus strand): 5'-ACCCGCGCCCAAACACCACAGGGGCAAGCGCTCCGCCGGCAAGGCCGCCGGGAGCCCGGG[A>G]GACCCGTGGGGGCAAGAGGGAGAAGCCAAGAAAGACAGCCCGGGCGAGAGGGCGAAACCC-3'
Protein context (NP_001354553.1, residues 3243-3263): RSAGKAAGSP[Gly3253=]DPWGQEGEAK

ClinVar aggregate classification (germline): Likely benign (1 of 4 stars; one submission).

Submission:

CeGaT Center for Human Genetics Tuebingen
Classification: Likely benign. Last evaluated: 2023-03-01. Review status: criteria provided, single submitter. Criteria: CeGaT Center For Human Genetics Tuebingen Variant Classification Criteria Version 2. Collection method: clinical testing. Allele origin: germline. Affected: yes. Observed: 2 variant alleles.
Comment: ZNF469: PM2:Supporting, BP4, BP7